The following is an entry in ClinVar:

NM_000337.6(SGCD):c.446T>C (p.Leu149Pro)

Gene: SGCD (sarcoglycan delta; plus strand). Cytogenetic location: 5q33.3.
Variant type: single nucleotide variant.
Coding change: c.446T>C on transcript NM_000337.6 (MANE Select); coding-DNA position 446, T replaced by C.
Protein change: p.Leu149Pro; replaces leucine 149 with proline.
Molecular consequence: missense variant.
Genome position (GRCh38, 1-based): chr5:156,594,995, T>C. VCF-style: chr5-156594995-T-C. GRCh37 (hg19) VCF-style: chr5-156022005-T-C.
Other names: c.443T>C, p.Leu148Pro (NM_001128209.2); c.446T>C, p.Leu149Pro (NM_172244.3); short protein forms L149P, L148P.
Identifiers: ClinVar variation 2160054 (VCV002160054.5), dbSNP rs1354428992, ClinGen allele CA362010565.

ClinVar aggregate classification (germline): Uncertain significance. Review status: criteria provided, multiple submitters, no conflicts (2 of 4 stars). 2 submissions from 2 submitters: Uncertain significance (2). Last evaluated 2023-11-01.

Conditions:
Autosomal recessive limb-girdle muscular dystrophy type 2F (LGMDR6). Also called: Muscular dystrophy limb-girdle with delta-sarcoglyan deficiency; MUSCULAR DYSTROPHY, LIMB-GIRDLE, AUTOSOMAL RECESSIVE 6. Identifiers: Orphanet 219, MedGen C1832525, MONDO:0011028, OMIM 601287. Disease mechanism: Affects gamma-sarcoglycan and also disrupts the integrity of the entire sarcoglycan complex..

Allele frequency attached by ClinVar (database versions not stated): gnomAD exomes below 0.00001.
gnomAD v4.1: 1 of 1,612,688 alleles (0.000062%); highest among the groups gnomAD compares: East Asian, 0.0022%; no homozygotes.

Submissions (2):

Revvity Omics, Revvity
Classification: Uncertain significance. Last evaluated: 2023-11-01. Review status: criteria provided, single submitter. Criteria: ACMG Guidelines, 2015. Collection method: clinical testing. Allele origin: germline.

Labcorp Genetics (formerly Invitae), Labcorp
Classification: Uncertain significance for Autosomal recessive limb-girdle muscular dystrophy type 2F. Last evaluated: 2022-08-29. Review status: criteria provided, single submitter. Criteria: Invitae Variant Classification Sherloc (09022015). Collection method: clinical testing. Allele origin: germline.
Comment: This sequence change replaces leucine, which is neutral and non-polar, with proline, which is neutral and non-polar, at codon 149 of the SGCD protein (p.Leu149Pro). This variant is present in population databases (no rsID available, gnomAD 0.006%). This variant has not been reported in the literature in individuals affected with SGCD-related conditions. Algorithms developed to predict the effect of missense changes on protein structure and function are either unavailable or do not agree on the potential impact of this missense change (SIFT: "Deleterious"; PolyPhen-2: "Probably Damaging"; Align-GVGD: "Class C0"). In summary, the available evidence is currently insufficient to determine the role of this variant in disease. Therefore, it has been classified as a Variant of Uncertain Significance.